The following is an entry in ClinVar:

ClinVar aggregate classification (germline): Uncertain significance (1 of 4 stars; one submission).

Allele frequency attached by ClinVar (database versions not stated): gnomAD exomes below 0.00001.
gnomAD v4.1: 1 of 1,613,994 alleles (0.000062%); highest among the groups gnomAD compares: Admixed American, 0.0017%; no homozygotes.

Submission:

Labcorp Genetics (formerly Invitae), Labcorp
Classification: Uncertain significance. Last evaluated: 2022-03-01. Review status: criteria provided, single submitter. Criteria: Invitae Variant Classification Sherloc (09022015). Collection method: clinical testing. Allele origin: germline.
Comment: This sequence change replaces threonine, which is neutral and polar, with proline, which is neutral and non-polar, at codon 3127 of the LRP2 protein (p.Thr3127Pro). This variant is present in population databases (no rsID available, gnomAD 0.003%). This variant has not been reported in the literature in individuals affected with LRP2-related conditions. Algorithms developed to predict the effect of missense changes on protein structure and function are either unavailable or do not agree on the potential impact of this missense change (SIFT: "Deleterious"; PolyPhen-2: "Probably Damaging"; Align-GVGD: "Class C0"). In summary, the available evidence is currently insufficient to determine the role of this variant in disease. Therefore, it has been classified as a Variant of Uncertain Significance.

NM_004525.3(LRP2):c.9379A>C (p.Thr3127Pro)

Gene: LRP2 (LDL receptor related protein 2; minus strand). Cytogenetic location: 2q31.1.
Variant type: single nucleotide variant.
Coding change: c.9379A>C on transcript NM_004525.3 (MANE Select); coding-DNA position 9379, A replaced by C.
Protein change: p.Thr3127Pro; replaces threonine 3127 with proline.
Molecular consequence: missense variant.
Genome position (GRCh38, 1-based): chr2:169,185,969, T>G on the plus strand (A>C on the coding strand, the complement: LRP2 is on the minus strand). VCF-style: chr2-169185969-T-G. GRCh37 (hg19) VCF-style: chr2-170042479-T-G.
Other names: short protein forms T3127P.
Identifiers: ClinVar variation 2054132 (VCV002054132.1), dbSNP rs1176498492, ClinGen allele CA349154771.